The following is an entry in ClinVar:

ClinVar aggregate classification (germline): Uncertain significance (1 of 4 stars; one submission).

Submission:

Ambry Genetics
Classification: Uncertain significance. Last evaluated: 2023-11-01. Review status: criteria provided, single submitter. Criteria: Ambry Variant Classification Scheme 2023. Collection method: clinical testing. Allele origin: germline.
Comment: The p.A1200P variant (also known as c.3598G>C), located in coding exon 4 of the ALPK2 gene, results from a G to C substitution at nucleotide position 3598. The alanine at codon 1200 is replaced by proline, an amino acid with highly similar properties. This amino acid position is conserved. In addition, this alteration is predicted to be tolerated by in silico analysis. Since supporting evidence is limited at this time, the clinical significance of this alteration remains unclear.

NM_052947.4(ALPK2):c.3598G>C (p.Ala1200Pro)

Gene: ALPK2 (alpha kinase 2; minus strand). Cytogenetic location: 18q21.31.
Variant type: single nucleotide variant.
Coding change: c.3598G>C on transcript NM_052947.4 (MANE Select); coding-DNA position 3598, G replaced by C.
Protein change: p.Ala1200Pro; replaces alanine 1200 with proline.
Molecular consequence: missense variant.
Genome position (GRCh38, 1-based): chr18:58,536,589, C>G on the plus strand (G>C on the coding strand, the complement: ALPK2 is on the minus strand). VCF-style: chr18-58536589-C-G. GRCh37 (hg19) VCF-style: chr18-56203821-C-G.
Other names: short protein forms A1200P.
Identifiers: ClinVar variation 3228697 (VCV003228697.1), dbSNP rs2518876249, ClinGen allele CA402566390.